The following is an entry in ClinVar:

ClinVar aggregate classification (germline): Uncertain significance (1 of 4 stars; one submission).

Conditions:
Cardiovascular phenotype. Identifiers: MedGen CN230736.

Submission:

Ambry Genetics
Classification: Uncertain significance for Cardiovascular phenotype. Last evaluated: 2022-12-25. Review status: criteria provided, single submitter. Criteria: Ambry Variant Classification Scheme 2023. Collection method: clinical testing. Allele origin: germline.
Comment: The p.Q63H variant (also known as c.189G>T), located in coding exon 1 of the LOX gene, results from a G to T substitution at nucleotide position 189. The glutamine at codon 63 is replaced by histidine, an amino acid with highly similar properties. This amino acid position is conserved. In addition, this alteration is predicted to be tolerated by in silico analysis. Since supporting evidence is limited at this time, the clinical significance of this alteration remains unclear.

NM_002317.7(LOX):c.189G>T (p.Gln63His)

Genes: LOX (lysyl oxidase; minus strand), SRFBP1 (serum response factor binding protein 1; plus strand). Cytogenetic location: 5q23.1.
Variant type: single nucleotide variant.
Coding change: c.189G>T on transcript NM_002317.7 (MANE Select); coding-DNA position 189, G replaced by T.
Protein change: p.Gln63His; replaces glutamine 63 with histidine.
Molecular consequence: missense variant.
Genome position (GRCh38, 1-based): chr5:122,077,797, C>A on the plus strand (G>T on the coding strand, the complement: LOX is on the minus strand). VCF-style: chr5-122077797-C-A. GRCh37 (hg19) VCF-style: chr5-121413492-C-A.
Other names: short protein forms Q63H.
Identifiers: ClinVar variation 2451965 (VCV002451965.2), dbSNP rs1754686581, ClinGen allele CA360877656.
Genomic context (GRCh38, chr5:122,077,797, plus strand): 5'-GGAGGCGTTGGCTGCACCAGGGACGGCGGCGCCCGGGTCCCGGCGGCGCTGAGGCTGGTA[C>A]TGTGAGCCCAGGCTCAGCAAGCTGAACACCTGCCCGTTGTTCTCCCATTGGATCTGCTGG-3'
Protein context (NP_002308.2, residues 53-73): QVFSLLSLGS[Gln63His]YQPQRRRDPG